The following is an entry in ClinVar:

NM_001099274.3(TINF2):c.749C>G (p.Pro250Arg)

Gene: TINF2 (TERF1 interacting nuclear factor 2; minus strand). Cytogenetic location: 14q12.
Variant type: single nucleotide variant.
Coding change: c.749C>G on transcript NM_001099274.3 (MANE Select); coding-DNA position 749, C replaced by G.
Protein change: p.Pro250Arg; replaces proline 250 with arginine.
Molecular consequence: missense variant.
Genome position (GRCh38, 1-based): chr14:24,240,731, G>C on the plus strand (C>G on the coding strand, the complement: TINF2 is on the minus strand). VCF-style: chr14-24240731-G-C. GRCh37 (hg19) VCF-style: chr14-24709937-G-C.
Other names: c.644C>G, p.Pro215Arg (NM_001363668.2); c.749C>G, p.Pro250Arg (NM_012461.3); short protein forms P250R, P215R.
Identifiers: ClinVar variation 3730124 (VCV003730124.2).

ClinVar aggregate classification (germline): Uncertain significance (1 of 4 stars; one submission).

Conditions:
Dyskeratosis congenita. Identifiers: Orphanet 1775, MedGen C0265965, MONDO:0015780.

Submission:

Labcorp Genetics (formerly Invitae), Labcorp
Classification: Uncertain significance for Dyskeratosis congenita. Last evaluated: 2025-01-21. Review status: criteria provided, single submitter. Criteria: Invitae Variant Classification Sherloc (09022015). Collection method: clinical testing. Allele origin: germline.
Comment: This sequence change replaces proline, which is neutral and non-polar, with arginine, which is basic and polar, at codon 250 of the TINF2 protein (p.Pro250Arg). This variant is not present in population databases (gnomAD no frequency). This variant has not been reported in the literature in individuals affected with TINF2-related conditions. An algorithm developed to predict the effect of missense changes on protein structure and function (PolyPhen-2) suggests that this variant is likely to be disruptive. In summary, the available evidence is currently insufficient to determine the role of this variant in disease. Therefore, it has been classified as a Variant of Uncertain Significance.